The following is an entry in ClinVar:

ClinVar aggregate classification (germline): Uncertain significance (1 of 4 stars; one submission).

Conditions:
MC3R-related disorder. Also called: MC3R-related condition.

Submission:

PreventionGenetics, part of Exact Sciences
Classification: Uncertain significance for MC3R-related condition. Last evaluated: 2025-12-16. Review status: criteria provided, single submitter. Criteria: ACMG Guidelines, 2015. Collection method: clinical testing. Allele origin: germline.
Comment: The MC3R c.517G>A variant is predicted to result in the amino acid substitution p.Gly173Ser. To our knowledge, this variant has not been reported in the literature or in a large population database (gnomAD), indicating this variant is rare. At this time, the clinical significance of this variant is uncertain due to the absence of conclusive functional and genetic evidence.

NM_019888.3(MC3R):c.517G>A (p.Gly173Ser)

Gene: MC3R (melanocortin 3 receptor; plus strand). Cytogenetic location: 20q13.2.
Variant type: single nucleotide variant.
Coding change: c.517G>A on transcript NM_019888.3 (MANE Select); coding-DNA position 517, G replaced by A.
Protein change: p.Gly173Ser; replaces glycine 173 with serine.
Molecular consequence: missense variant.
Genome position (GRCh38, 1-based): chr20:56,249,360, G>A. VCF-style: chr20-56249360-G-A. GRCh37 (hg19) VCF-style: chr20-54824416-G-A.
Other names: short protein forms G173S.
Identifiers: ClinVar variation 4984717 (VCV004984717.1).